The following is an entry in ClinVar:

ClinVar aggregate classification (germline): Likely benign (1 of 4 stars; one submission).

gnomAD v4.1: 1 of 1,538,670 alleles (0.000065%); highest among the groups gnomAD compares: Non-Finnish European, 0.000087%; no homozygotes.

Submission:

CeGaT Center for Human Genetics Tuebingen
Classification: Likely benign. Last evaluated: 2023-07-01. Review status: criteria provided, single submitter. Criteria: CeGaT Center For Human Genetics Tuebingen Variant Classification Criteria Version 2. Collection method: clinical testing. Allele origin: germline. Affected: yes. Observed: 1 variant allele.
Comment: APP: PM2:Supporting, BP4, BP7

NM_000484.4(APP):c.45T>G (p.Ala15=)

Gene: APP (amyloid beta precursor protein; minus strand). Cytogenetic location: 21q21.3.
Variant type: single nucleotide variant.
Coding change: c.45T>G on transcript NM_000484.4 (MANE Select); coding-DNA position 45, T replaced by G.
Protein change: p.Ala15=; no amino-acid change (alanine 15 retained).
Molecular consequence: synonymous variant. On other transcripts: intron variant (1).
Genome position (GRCh38, 1-based): chr21:26,170,576, A>C on the plus strand (T>G on the coding strand, the complement: APP is on the minus strand). VCF-style: chr21-26170576-A-C. GRCh37 (hg19) VCF-style: chr21-27542894-A-C.
Other names: c.45T>G, p.Ala15= (NM_001136129.3, NM_001136130.3, NM_001204301.2 and 5 more transcripts); c.-49+409T>G (NM_001136131.3).
Identifiers: ClinVar variation 2578912 (VCV002578912.25), dbSNP rs2517491567, ClinGen allele CA511880748.
Genomic context (GRCh38, chr21:26,170,576, plus strand): 5'-CGTCCCCACCGTGCAGCCTCCCCCCGCCTTCCGAGGCGCGGCACCCACCTCCAGCGCCCG[A>C]GCCGTCCAGGCGGCCAGCAGGAGCAGTGCCAAACCGGGCAGCATCGCGACCCTGCGCGGG-3'
Protein context (NP_000475.1, residues 5-25): LALLLLAAWT[Ala15=]RALEVPTDGN